The following is an entry in ClinVar:

NM_003289.4(TPM2):c.755C>T (p.Thr252Ile)

Gene: TPM2 (tropomyosin 2; minus strand). Cytogenetic location: 9p13.3.
Variant type: single nucleotide variant.
Coding change: c.755C>T on transcript NM_003289.4 (MANE Select); coding-DNA position 755, C replaced by T.
Protein change: p.Thr252Ile; replaces threonine 252 with isoleucine.
Molecular consequence: missense variant.
Genome position (GRCh38, 1-based): chr9:35,684,263, G>A on the plus strand (C>T on the coding strand, the complement: TPM2 is on the minus strand). VCF-style: chr9-35684263-G-A. GRCh37 (hg19) VCF-style: chr9-35684260-G-A.
Other names: c.755C>T, p.Thr252Ile (NM_001301226.2, NM_001301227.2, NM_213674.1); short protein forms T252I.
Identifiers: ClinVar variation 2437202 (VCV002437202.4), dbSNP rs773153723, ClinGen allele CA5047174.

ClinVar aggregate classification (germline): Uncertain significance. Review status: criteria provided, multiple submitters, no conflicts (2 of 4 stars). 2 submissions from 2 submitters: Uncertain significance (2). Last evaluated 2025-09-01.

Conditions:
Arthrogryposis, distal, type 1A. Also called: ARTHROGRYPOSIS MULTIPLEX CONGENITA, DISTAL, TYPE I. Identifiers: Orphanet 1146, MedGen C6022280, MONDO:0007157, OMIM 108120.

Allele frequency attached by ClinVar (database versions not stated): ExAC 0.00001; gnomAD exomes 0.00001.
gnomAD v4.1: 6 of 1,614,158 alleles (0.00037%); highest among the groups gnomAD compares: South Asian, 0.0022%; no homozygotes.

Submissions (2):

Labcorp Genetics (formerly Invitae), Labcorp
Classification: Uncertain significance for Arthrogryposis, distal, type 1A. Last evaluated: 2025-09-01. Review status: criteria provided, single submitter. Criteria: Invitae Variant Classification Sherloc (09022015). Collection method: clinical testing. Allele origin: germline.
Comment: This sequence change replaces threonine, which is neutral and polar, with isoleucine, which is neutral and non-polar, at codon 252 of the TPM2 protein (p.Thr252Ile). This variant is present in population databases (rs773153723, gnomAD 0.0009%). This variant has not been reported in the literature in individuals affected with TPM2-related conditions. ClinVar contains an entry for this variant (Variation ID: 2437202). Invitae Evidence Modeling of protein sequence and biophysical properties (such as structural, functional, and spatial information, amino acid conservation, physicochemical variation, residue mobility, and thermodynamic stability) indicates that this missense variant is not expected to disrupt TPM2 protein function with a negative predictive value of 80%. In summary, the available evidence is currently insufficient to determine the role of this variant in disease. Therefore, it has been classified as a Variant of Uncertain Significance.

Revvity Omics, Revvity
Classification: Uncertain significance. Last evaluated: 2019-12-08. Review status: criteria provided, single submitter. Criteria: ACMG Guidelines, 2015. Collection method: clinical testing. Allele origin: germline.